The following is an entry in ClinVar:

ClinVar aggregate classification (germline): Uncertain significance (1 of 4 stars; one submission).

Conditions:
COG1 congenital disorder of glycosylation (CDG2G). Also called: CONGENITAL DISORDER OF GLYCOSYLATION, TYPE IIg; CDG IIg; CDGII/COG1 CEREBROCOSTOMANDIBULAR-LIKE SYNDROME. Identifiers: Orphanet 263508, MedGen C2931011, MONDO:0012637, OMIM 611209.

Submission:

Labcorp Genetics (formerly Invitae), Labcorp
Classification: Uncertain significance for COG1 congenital disorder of glycosylation. Last evaluated: 2019-01-18. Review status: criteria provided, single submitter. Criteria: Invitae Variant Classification Sherloc (09022015). Collection method: clinical testing. Allele origin: germline.
Comment: Algorithms developed to predict the effect of missense changes on protein structure and function are either unavailable or do not agree on the potential impact of this missense change (SIFT: "Tolerated"; PolyPhen-2: "Possibly Damaging"; Align-GVGD: "Class C0"). This variant has not been reported in the literature in individuals with COG1-related conditions. This variant is not present in population databases (ExAC no frequency). Algorithms developed to predict the effect of sequence changes on RNA splicing suggest that this variant may create or strengthen a splice site, but this prediction has not been confirmed by published transcriptional studies. In summary, the available evidence is currently insufficient to determine the role of this variant in disease. Therefore, it has been classified as a Variant of Uncertain Significance. This sequence change replaces proline with glutamine at codon 741 of the COG1 protein (p.Pro741Gln). The proline residue is highly conserved and there is a moderate physicochemical difference between proline and glutamine.

NM_018714.3(COG1):c.2222C>A (p.Pro741Gln)

Genes: COG1 (component of oligomeric golgi complex 1; plus strand), LOC125316790 (Sharpr-MPRA regulatory region 2581; plus strand). Cytogenetic location: 17q25.1.
Variant type: single nucleotide variant.
Coding change: c.2222C>A on transcript NM_018714.3 (MANE Select); coding-DNA position 2222, C replaced by A.
Protein change: p.Pro741Gln; replaces proline 741 with glutamine.
Molecular consequence: missense variant.
Genome position (GRCh38, 1-based): chr17:73,203,633, C>A. VCF-style: chr17-73203633-C-A. GRCh37 (hg19) VCF-style: chr17-71199772-C-A.
Other names: short protein forms P741Q.
Identifiers: ClinVar variation 851684 (VCV000851684.10), dbSNP rs200395052, ClinGen allele CA400895551.